The following is an entry in ClinVar:

ClinVar aggregate classification (germline): Uncertain significance (1 of 4 stars; one submission).

gnomAD v4.1: 6 of 1,598,032 alleles (0.00038%); highest among the groups gnomAD compares: Admixed American, 0.0069%; no homozygotes.

Submission:

Women's Health and Genetics/Laboratory Corporation of America, LabCorp
Classification: Uncertain significance. Last evaluated: 2025-09-11. Review status: criteria provided, single submitter. Criteria: LabCorp Variant Classification Summary - May 2015. Collection method: clinical testing. Allele origin: germline.
Comment: Variant summary: RPGRIP1 c.2668C>G (p.Arg890Gly) results in a non-conservative amino acid change in the encoded protein sequence. Algorithms developed to predict the effect of missense changes on protein structure and function are either unavailable or do not agree on the potential impact of this missense change. The variant allele was found at a frequency of 2.1e-05 in 239130 control chromosomes. The available data on variant occurrences in the general population are insufficient to allow any conclusion about variant significance. To our knowledge, no occurrence of c.2668C>G in individuals affected with RPGRIP1-related conditions and no experimental evidence demonstrating its impact on protein function have been reported. No submitters have cited clinical-significance assessments for this variant to ClinVar. Based on the evidence outlined above, the variant was classified as uncertain significance.

NM_020366.4(RPGRIP1):c.2668C>G (p.Arg890Gly)

Gene: RPGRIP1 (RPGR interacting protein 1; plus strand). Cytogenetic location: 14q11.2.
Variant type: single nucleotide variant.
Coding change: c.2668C>G on transcript NM_020366.4 (MANE Select); coding-DNA position 2668, C replaced by G.
Protein change: p.Arg890Gly; replaces arginine 890 with glycine.
Molecular consequence: missense variant. On other transcripts: intron variant (4).
Genome position (GRCh38, 1-based): chr14:21,326,131, C>G. VCF-style: chr14-21326131-C-G. GRCh37 (hg19) VCF-style: chr14-21794290-C-G.
Other names: c.1594C>G, p.Arg532Gly (NM_001377948.1); c.796+1406C>G (NM_001377949.1); c.689-1492C>G (NM_001377523.1, NM_001377950.1); c.191-1492C>G (NM_001377951.1); short protein forms R532G, R890G.
Identifiers: ClinVar variation 4535587 (VCV004535587.1).